The following is an entry in ClinVar:

NM_021830.5(TWNK):c.50T>A (p.Leu17Gln)

Gene: TWNK (twinkle mtDNA helicase; plus strand). Cytogenetic location: 10q24.31.
Variant type: single nucleotide variant.
Coding change: c.50T>A on transcript NM_021830.5 (MANE Select); coding-DNA position 50, T replaced by A.
Protein change: p.Leu17Gln; replaces leucine 17 with glutamine.
Molecular consequence: missense variant. On other transcripts: non-coding transcript variant (4), intron variant (3).
Genome position (GRCh38, 1-based): chr10:100,988,260, T>A. VCF-style: chr10-100988260-T-A. GRCh37 (hg19) VCF-style: chr10-102748017-T-A.
Other names: c.50T>A, p.Leu17Gln (NM_001163812.2); c.-120+647T>A (NM_001163814.2, NM_001163813.2); c.-58+647T>A (NM_001368275.1); short protein forms L17Q.
Identifiers: ClinVar variation 2753780 (VCV002753780.3), dbSNP rs761301681, ClinGen allele CA5653010.

ClinVar aggregate classification (germline): Uncertain significance (1 of 4 stars; one submission).

Allele frequency attached by ClinVar (database versions not stated): ExAC 0.00001.
gnomAD v4.1: 2 of 1,614,104 alleles (0.00012%); highest among the groups gnomAD compares: South Asian, 0.0022%; no homozygotes.

Submission:

Labcorp Genetics (formerly Invitae), Labcorp
Classification: Uncertain significance. Last evaluated: 2024-01-20. Review status: criteria provided, single submitter. Criteria: Invitae Variant Classification Sherloc (09022015). Collection method: clinical testing. Allele origin: germline.
Comment: This sequence change replaces leucine, which is neutral and non-polar, with glutamine, which is neutral and polar, at codon 17 of the TWNK protein (p.Leu17Gln). This variant is present in population databases (rs761301681, gnomAD 0.003%). This variant has not been reported in the literature in individuals affected with TWNK-related conditions. Advanced modeling of protein sequence and biophysical properties (such as structural, functional, and spatial information, amino acid conservation, physicochemical variation, residue mobility, and thermodynamic stability) performed at Invitae indicates that this missense variant is not expected to disrupt TWNK protein function with a negative predictive value of 95%. In summary, the available evidence is currently insufficient to determine the role of this variant in disease. Therefore, it has been classified as a Variant of Uncertain Significance.